The following is an entry in ClinVar:

NM_001256545.2(MEGF10):c.2176G>A (p.Ala726Thr)

Gene: MEGF10 (multiple EGF like domains 10; plus strand). Cytogenetic location: 5q23.2.
Variant type: single nucleotide variant.
Coding change: c.2176G>A on transcript NM_001256545.2 (MANE Select); coding-DNA position 2176, G replaced by A.
Protein change: p.Ala726Thr; replaces alanine 726 with threonine.
Molecular consequence: missense variant.
Genome position (GRCh38, 1-based): chr5:127,438,510, G>A. VCF-style: chr5-127438510-G-A. GRCh37 (hg19) VCF-style: chr5-126774202-G-A.
Other names: c.2176G>A, p.Ala726Thr (NM_032446.3); short protein forms A726T.
Identifiers: ClinVar variation 704528 (VCV000704528.13), dbSNP rs139884665, ClinGen allele CA3391860.

ClinVar aggregate classification (germline): Conflicting classifications of pathogenicity. Review status: criteria provided, conflicting classifications (1 of 4 stars). 3 submissions from 3 submitters: Uncertain significance (2); Likely benign (1). Last evaluated 2026-02-01.

Conditions:
MEGF10-related myopathy (CMYO10A). Also called: Congenital myopathy 10A, severe variant. Identifiers: Orphanet 439212, MedGen C3280679, MONDO:0013731, OMIM 614399.

Allele frequency attached by ClinVar (database versions not stated): ESP Exome Variant Server 0.00008; gnomAD exomes 0.00010 and 0.00024; TOPMed 0.00014; gnomAD 0.00016 and 0.00019; ExAC 0.00025; 1000 Genomes Project 30x 0.00078; 1000 Genomes Project 0.00080.
gnomAD v4.1: 171 of 1,614,100 alleles (0.011%); highest among the groups gnomAD compares: East Asian, 0.085%; no homozygotes.

Submissions (3):

Labcorp Genetics (formerly Invitae), Labcorp
Classification: Likely benign for MEGF10-related myopathy. Last evaluated: 2026-02-01. Review status: criteria provided, single submitter. Criteria: Invitae Variant Classification Sherloc (09022015). Collection method: clinical testing. Allele origin: germline.

Blueprint Genetics
Classification: Uncertain significance. Last evaluated: 2024-10-28. Review status: criteria provided, single submitter. Criteria: ACMG Guidelines, 2015. Collection method: clinical testing. Allele origin: germline.

Baylor Genetics
Classification: Uncertain significance for MEGF10-related myopathy. Last evaluated: 2018-10-24. Review status: criteria provided, single submitter. Criteria: ACMG Guidelines, 2015. Collection method: clinical testing. Allele origin: paternal. Affected: yes.
Comment: This variant was determined to be of uncertain significance according to ACMG Guidelines, 2015 [PMID:25741868].